The following is an entry in ClinVar:

ClinVar aggregate classification (germline): Benign (1 of 4 stars; one submission).

Allele frequency attached by ClinVar (database versions not stated): 1000 Genomes Project 0.07428; 1000 Genomes Project 30x 0.07448; TOPMed 0.11880; gnomAD 0.12929 and 0.13243.
gnomAD v4.1: 19,765 of 152,206 alleles (13%); highest among the groups gnomAD compares: Non-Finnish European, 19%; 1,696 homozygotes.

Submission:

GeneDx
Classification: Benign. Last evaluated: 2018-06-14. Review status: criteria provided, single submitter. Criteria: GeneDx Variant Classification (06012015). Collection method: clinical testing. Allele origin: germline. Affected: yes.
Comment: This variant is considered likely benign or benign based on one or more of the following criteria: it is a conservative change, it occurs at a poorly conserved position in the protein, it is predicted to be benign by multiple in silico algorithms, and/or has population frequency not consistent with disease.

NM_002887.4(RARS1):c.1626-255T>C

Gene: RARS1 (arginyl-tRNA synthetase 1; plus strand). Cytogenetic location: 5q34.
Variant type: single nucleotide variant.
Coding change: c.1626-255T>C on transcript NM_002887.4 (MANE Select); 255 bases into the intron before coding-DNA position 1626, T replaced by C.
Molecular consequence: intron variant.
Genome position (GRCh38, 1-based): chr5:168,517,560, T>C. VCF-style: chr5-168517560-T-C. GRCh37 (hg19) VCF-style: chr5-167944565-T-C.
Identifiers: ClinVar variation 669558 (VCV000669558.1), dbSNP rs17552440, ClinGen allele CA12041787.